The following is an entry in ClinVar:

NM_002427.4(MMP13):c.53G>A (p.Arg18Gln)

Genes: MMP13 (matrix metallopeptidase 13; minus strand), LOC126861318 (BRD4-independent group 4 enhancer GRCh37_chr11:102825894-102827093; plus strand). Cytogenetic location: 11q22.2.
Variant type: single nucleotide variant.
Coding change: c.53G>A on transcript NM_002427.4 (MANE Select); coding-DNA position 53, G replaced by A.
Protein change: p.Arg18Gln; replaces arginine 18 with glutamine.
Molecular consequence: missense variant.
Genome position (GRCh38, 1-based): chr11:102,955,653, C>T on the plus strand (G>A on the coding strand, the complement: MMP13 is on the minus strand). VCF-style: chr11-102955653-C-T. GRCh37 (hg19) VCF-style: chr11-102826382-C-T.
Other names: short protein forms R18Q.
Identifiers: ClinVar variation 3396986 (VCV003396986.3).

ClinVar aggregate classification (germline): Uncertain significance. Review status: criteria provided, multiple submitters, no conflicts (2 of 4 stars). 2 submissions from 2 submitters: Uncertain significance (2). Last evaluated 2025-05-06.

gnomAD v4.1: 25 of 1,613,956 alleles (0.0015%); highest among the groups gnomAD compares: Non-Finnish European, 0.0019%; no homozygotes.

Submissions (2):

Labcorp Genetics (formerly Invitae), Labcorp
Classification: Uncertain significance. Last evaluated: 2025-05-06. Review status: criteria provided, single submitter. Criteria: Invitae Variant Classification Sherloc (09022015). Collection method: clinical testing. Allele origin: germline.
Comment: This sequence change replaces arginine, which is basic and polar, with glutamine, which is neutral and polar, at codon 18 of the MMP13 protein (p.Arg18Gln). This variant is present in population databases (rs777733493, gnomAD 0.007%). This variant has not been reported in the literature in individuals affected with MMP13-related conditions. ClinVar contains an entry for this variant (Variation ID: 3396986). An algorithm developed to predict the effect of missense changes on protein structure and function (PolyPhen-2) suggests that this variant is likely to be tolerated. In summary, the available evidence is currently insufficient to determine the role of this variant in disease. Therefore, it has been classified as a Variant of Uncertain Significance.

Ambry Genetics
Classification: Uncertain significance. Last evaluated: 2024-09-02. Review status: criteria provided, single submitter. Criteria: Ambry Variant Classification Scheme 2023. Collection method: clinical testing. Allele origin: germline.